The following is an entry in ClinVar:

NM_001193315.2(VIPAS39):c.632-9G>A

Gene: VIPAS39 (VPS33B interacting protein, apical-basolateral polarity regulator, spe-39 homolog; minus strand). Cytogenetic location: 14q24.3.
Variant type: single nucleotide variant.
Coding change: c.632-9G>A on transcript NM_001193315.2 (MANE Select); 9 bases into the intron before coding-DNA position 632, G replaced by A.
Molecular consequence: intron variant.
Genome position (GRCh38, 1-based): chr14:77,442,671, C>T on the plus strand (G>A on the coding strand, the complement: VIPAS39 is on the minus strand). VCF-style: chr14-77442671-C-T. GRCh37 (hg19) VCF-style: chr14-77909014-C-T.
Other names: c.485-9G>A (NM_001193316.2); c.632-9G>A (NM_022067.4, NM_001193317.2, NM_001193314.2 and 1 more transcripts).
Identifiers: ClinVar variation 593791 (VCV000593791.10), dbSNP rs370850533, ClinGen allele CA7288010.

ClinVar aggregate classification (germline): Conflicting classifications of pathogenicity. Review status: criteria provided, conflicting classifications (1 of 4 stars). 3 submissions from 3 submitters: Uncertain significance (1); Likely benign (1). 1 of the submissions does not count toward it. Last evaluated 2025-06-23.

Conditions:
VIPAS39-related disorder. Also called: VIPAS39-related condition.

Allele frequency attached by ClinVar (database versions not stated): gnomAD 0.00004; TOPMed 0.00010; gnomAD exomes 0.00001.
gnomAD v4.1: 13 of 1,613,442 alleles (0.00081%); highest among the groups gnomAD compares: African/African-American, 0.015%; no homozygotes.

Submissions (3):

Labcorp Genetics (formerly Invitae), Labcorp
Classification: Likely benign. Last evaluated: 2025-06-23. Review status: criteria provided, single submitter. Criteria: Invitae Variant Classification Sherloc (09022015). Collection method: clinical testing. Allele origin: germline.

Eurofins Ntd Llc (ga)
Classification: Uncertain significance. Last evaluated: 2017-08-23. Review status: criteria provided, single submitter. Criteria: EGL Classification Definitions 2015. Collection method: clinical testing. Allele origin: germline. Observed: 1 variant allele, 1 heterozygote.

PreventionGenetics, part of Exact Sciences
Classification: Likely benign for VIPAS39-related condition. Last evaluated: 2022-09-22. Review status: no assertion criteria provided. Collection method: clinical testing. Allele origin: germline. Not counted in ClinVar's aggregate classification.
Comment: This variant is classified as likely benign based on ACMG/AMP sequence variant interpretation guidelines (Richards et al. 2015 PMID: 25741868, with internal and published modifications).